The following is an entry in ClinVar:

ClinVar aggregate classification (germline): Likely benign. Review status: criteria provided, multiple submitters, no conflicts (2 of 4 stars). 2 submissions from 2 submitters: Likely benign (2). Last evaluated 2024-09-26.

Conditions:
Familial melanoma. Also called: Hereditary melanoma; Hereditary cutaneous melanoma. Identifiers: Orphanet 618, MedGen C1512419, MONDO:0018961.
Melanoma, cutaneous malignant, susceptibility to, 3. Also called: Cutaneous malignant melanoma 3. Identifiers: Orphanet 618, MedGen C1836892, MONDO:0012183, OMIM 609048.

Allele frequency attached by ClinVar (database versions not stated): gnomAD exomes below 0.00001.
gnomAD v4.1: 1 of 1,613,956 alleles (0.000062%); highest among the groups gnomAD compares: Non-Finnish European, 0.000085%; no homozygotes.

Submissions (2):

Myriad Genetics, Inc.
Classification: Likely benign for Melanoma, cutaneous malignant, susceptibility to, 3. Last evaluated: 2024-09-26. Review status: criteria provided, single submitter. Criteria: Myriad Autosomal Dominant, Autosomal Recessive and X-Linked Classification Criteria (2023). Collection method: clinical testing. Allele origin: unknown.
Comment: This variant is considered likely benign. This variant is intronic and is not expected to impact mRNA splicing.

Labcorp Genetics (formerly Invitae), Labcorp
Classification: Likely benign for Familial melanoma. Last evaluated: 2020-08-06. Review status: criteria provided, single submitter. Criteria: Invitae Variant Classification Sherloc (09022015). Collection method: clinical testing. Allele origin: germline.

NM_000075.4(CDK4):c.633-6C>T

Genes: TSPAN31 (tetraspanin 31; plus strand), CDK4 (cyclin dependent kinase 4; minus strand). Cytogenetic location: 12q14.1.
Variant type: single nucleotide variant.
Coding change: c.633-6C>T on transcript NM_000075.4 (MANE Select); 6 bases into the intron before coding-DNA position 633, C replaced by T.
Molecular consequence: intron variant. On other transcripts: 3 prime UTR variant (3).
Genome position (GRCh38, 1-based): chr12:57,749,510, G>A on the plus strand (C>T on the coding strand, the complement: CDK4 is on the minus strand). VCF-style: chr12-57749510-G-A. GRCh37 (hg19) VCF-style: chr12-58143293-G-A.
Other names: c.*2220G>A (NM_001330168.2, NM_001330169.2, NM_005981.5).
Identifiers: ClinVar variation 1089676 (VCV001089676.10), dbSNP rs2140384011, ClinGen allele CA2499221773.
Genomic context (GRCh38, chr12:57,749,510, plus strand): 5'-TTACTCAAAGATTTTGCCCAACTGGTCGGCTTCAGAGTTTCCACAGAAGAGAGGCCTAAG[G>A]TGAGAAGGGATATAAGGTAGCAGTCATTTTCAAAGATATCTTAGTTGAATGGTTACTGCT-3'